The following is an entry in ClinVar:

NM_002225.5(IVD):c.1166C>T (p.Pro389Leu)

Gene: IVD (isovaleryl-CoA dehydrogenase; plus strand). Cytogenetic location: 15q15.1.
Variant type: single nucleotide variant.
Coding change: c.1166C>T on transcript NM_002225.5 (MANE Select); coding-DNA position 1166, C replaced by T.
Protein change: p.Pro389Leu; replaces proline 389 with leucine.
Molecular consequence: missense variant. On other transcripts: intron variant (3).
Genome position (GRCh38, 1-based): chr15:40,418,157, C>T. VCF-style: chr15-40418157-C-T. GRCh37 (hg19) VCF-style: chr15-40710356-C-T.
Other names: c.1076C>T, p.Pro359Leu (NM_001159508.3); c.1118C>T, p.Pro373Leu (NM_001354597.3); c.1253C>T, p.Pro418Leu (NM_001354599.3); c.1225+1795C>T (NM_001354600.3); c.1138+1795C>T (NM_001354598.3, NM_001354601.3); short protein forms P359L, P373L, P389L, P418L.
Identifiers: ClinVar variation 3776002 (VCV003776002.1).

ClinVar aggregate classification (germline): Uncertain significance (1 of 4 stars; one submission).

Conditions:
Isovaleryl-CoA dehydrogenase deficiency (IVA). Also called: ISOVALERIC ACID CoA DEHYDROGENASE DEFICIENCY; Isovaleric acidemia; IVD DEFICIENCY; Classic Isovaleric Acidemia. Identifiers: Orphanet 33, MedGen C0268575, MONDO:0009475, OMIM 243500.

gnomAD v4.1: 1 of 1,614,190 alleles (0.000062%); highest among the groups gnomAD compares: Non-Finnish European, 0.000085%; no homozygotes.

Submission:

3billion
Classification: Uncertain significance for Isovaleryl-CoA dehydrogenase deficiency. Last evaluated: 2023-08-17. Review status: criteria provided, single submitter. Criteria: ACMG Guidelines, 2015. Collection method: clinical testing. Allele origin: germline. Affected: yes.
Comment: The variant is not observed in the gnomAD v2.1.1 dataset. Predicted Consequence/Location: Missense variant In silico tool predictions suggest damaging effect of the variant on gene or gene product [REVEL: 0.97 (>=0.6, sensitivity 0.68 and specificity 0.92); 3Cnet: 0.99 (>=0.6, sensitivity 0.72 and precision 0.9)]. Therefore, this variant is classified as VUS according to the recommendation of ACMG/AMP guideline.